The following is an entry in ClinVar:

NM_001304360.2(CFAP74):c.4020G>A (p.Ala1340=)

Gene: CFAP74 (cilia and flagella associated protein 74; minus strand). Cytogenetic location: 1p36.33.
Variant type: single nucleotide variant.
Coding change: c.4020G>A on transcript NM_001304360.2 (MANE Select); coding-DNA position 4020, G replaced by A.
Protein change: p.Ala1340=; no amino-acid change (alanine 1340 retained).
Molecular consequence: synonymous variant.
Genome position (GRCh38, 1-based): chr1:1,925,867, C>T on the plus strand (G>A on the coding strand, the complement: CFAP74 is on the minus strand). VCF-style: chr1-1925867-C-T. GRCh37 (hg19) VCF-style: chr1-1857306-C-T.
Identifiers: ClinVar variation 4820837 (VCV004820837.4).

ClinVar aggregate classification (germline): Likely benign (1 of 4 stars; one submission).

gnomAD v4.1: 4,738 of 1,612,694 alleles (0.29%); highest among the groups gnomAD compares: Non-Finnish European, 0.36%; 18 homozygotes.

Submission:

CeGaT Center for Human Genetics Tuebingen
Classification: Likely benign. Last evaluated: 2026-09-01. Review status: criteria provided, single submitter. Criteria: CeGaT Center For Human Genetics Tuebingen Variant Classification Criteria Version 2. Collection method: clinical testing. Allele origin: germline. Affected: yes. Observed: 2 variant alleles.
Comment: CFAP74: BP4, BP7, BS2